The following is an entry in ClinVar:

NM_000302.4(PLOD1):c.2152C>T (p.Arg718Cys)

Gene: PLOD1 (procollagen-lysine,2-oxoglutarate 5-dioxygenase 1; plus strand). Cytogenetic location: 1p36.22.
Variant type: single nucleotide variant.
Coding change: c.2152C>T on transcript NM_000302.4 (MANE Select); coding-DNA position 2152, C replaced by T.
Protein change: p.Arg718Cys; replaces arginine 718 with cysteine.
Molecular consequence: missense variant.
Genome position (GRCh38, 1-based): chr1:11,974,776, C>T. VCF-style: chr1-11974776-C-T. GRCh37 (hg19) VCF-style: chr1-12034833-C-T.
Other names: c.2293C>T, p.Arg765Cys (NM_001316320.2); short protein forms R765C, R718C.
Identifiers: ClinVar variation 956012 (VCV000956012.10), dbSNP rs754650948, ClinGen allele CA598685.

ClinVar aggregate classification (germline): Uncertain significance. Review status: criteria provided, multiple submitters, no conflicts (2 of 4 stars). 2 submissions from 2 submitters: Uncertain significance (2). Last evaluated 2025-05-03.

Conditions:
Familial thoracic aortic aneurysm and aortic dissection (TAAD). Also called: Thoracic aortic aneurysms and dissections. Identifiers: Orphanet 91387, MedGen C4707243, MONDO:0019625.
Ehlers-Danlos syndrome, kyphoscoliotic type 1 (EDSKSCL1). Also called: PLOD1-Related Kyphoscoliotic Ehlers-Danlos Syndrome; Ehlers-Danlos syndrome, hydroxylysine-deficient; EHLERS-DANLOS SYNDROME, TYPE VIA; EHLERS-DANLOS SYNDROME, OCULAR-SCOLIOTIC TYPE. Identifiers: Orphanet 1900, MedGen C0268342, MONDO:0016002, OMIM 225400. Disease mechanism: loss of function.

Allele frequency attached by ClinVar (database versions not stated): gnomAD exomes below 0.00001; ExAC 0.00001; TOPMed 0.00002; gnomAD 0.00003.
gnomAD v4.1: 10 of 1,614,032 alleles (0.00062%); highest among the groups gnomAD compares: African/African-American, 0.0027%; no homozygotes.

Submissions (2):

Ambry Genetics
Classification: Uncertain significance for Familial thoracic aortic aneurysm and aortic dissection. Last evaluated: 2025-05-03. Review status: criteria provided, single submitter. Criteria: Ambry Variant Classification Scheme 2023. Collection method: clinical testing. Allele origin: germline.
Comment: The p.R718C variant (also known as c.2152C>T), located in coding exon 19 of the PLOD1 gene, results from a C to T substitution at nucleotide position 2152. The arginine at codon 718 is replaced by cysteine, an amino acid with highly dissimilar properties. This amino acid position is conserved. In addition, this alteration is predicted to be deleterious by in silico analysis. Since supporting evidence is limited at this time, the clinical significance of this alteration remains unclear.

Labcorp Genetics (formerly Invitae), Labcorp
Classification: Uncertain significance for Ehlers-Danlos syndrome, kyphoscoliotic type 1. Last evaluated: 2021-09-01. Review status: criteria provided, single submitter. Criteria: Invitae Variant Classification Sherloc (09022015). Collection method: clinical testing. Allele origin: germline.
Comment: This sequence change replaces arginine with cysteine at codon 718 of the PLOD1 protein (p.Arg718Cys). The arginine residue is highly conserved and there is a large physicochemical difference between arginine and cysteine. This variant is present in population databases (rs754650948, ExAC 0.002%). This variant has not been reported in the literature in individuals affected with PLOD1-related conditions. Algorithms developed to predict the effect of missense changes on protein structure and function are either unavailable or do not agree on the potential impact of this missense change (SIFT: "Deleterious"; PolyPhen-2: "Probably Damaging"; Align-GVGD: "Class C0"). In summary, the available evidence is currently insufficient to determine the role of this variant in disease. Therefore, it has been classified as a Variant of Uncertain Significance.